The following is an entry in ClinVar:

ClinVar aggregate classification (germline): Uncertain significance (1 of 4 stars; one submission).

Conditions:
Hereditary cancer-predisposing syndrome. Also called: Neoplastic Syndromes, Hereditary; Tumor predisposition; Hereditary neoplastic syndrome; Hereditary Cancer Syndrome. Identifiers: Orphanet 140162, MedGen C0027672, MeSH D009386, MONDO:0015356.

Submission:

Ambry Genetics
Classification: Uncertain significance for Hereditary cancer-predisposing syndrome. Last evaluated: 2024-02-29. Review status: criteria provided, single submitter. Criteria: Ambry Variant Classification Scheme 2023. Collection method: clinical testing. Allele origin: germline.
Comment: The p.G19R variant (also known as c.55G>C), located in coding exon 1 of the SMARCA4 gene, results from a G to C substitution at nucleotide position 55. The glycine at codon 19 is replaced by arginine, an amino acid with dissimilar properties. This amino acid position is highly conserved in available vertebrate species. In addition, this alteration is predicted to be deleterious by in silico analysis. Based on the available evidence, the clinical significance of this alteration remains unclear.

NM_003072.5(SMARCA4):c.55G>C (p.Gly19Arg)

Gene: SMARCA4 (SWI/SNF related BAF chromatin remodeling complex subunit ATPase 4; plus strand). Cytogenetic location: 19p13.2.
Variant type: single nucleotide variant.
Coding change: c.55G>C on transcript NM_003072.5 (MANE Select); coding-DNA position 55, G replaced by C.
Protein change: p.Gly19Arg; replaces glycine 19 with arginine.
Molecular consequence: missense variant. On other transcripts: non-coding transcript variant (1).
Genome position (GRCh38, 1-based): chr19:10,984,206, G>C. VCF-style: chr19-10984206-G-C. GRCh37 (hg19) VCF-style: chr19-11094882-G-C.
Other names: c.55G>C, p.Gly19Arg (NM_001128844.3, NM_001128845.2, NM_001128846.2 and 6 more transcripts); short protein forms G19R.
Identifiers: ClinVar variation 3233137 (VCV003233137.1), dbSNP rs2145721640, ClinGen allele CA404054008.